The following is an entry in ClinVar:

ClinVar aggregate classification (germline): Likely pathogenic (1 of 4 stars; one submission).

Submission:

Labcorp Genetics (formerly Invitae), Labcorp
Classification: Likely pathogenic. Last evaluated: 2025-11-26. Review status: criteria provided, single submitter. Criteria: Invitae Variant Classification Sherloc (09022015). Collection method: clinical testing. Allele origin: germline.
Comment: This variant results in the deletion of part of exon 11 (c.1074-7_1079del) of the PRPF31 gene. It is expected to disrupt RNA splicing. Variants that disrupt the donor or acceptor splice site typically lead to a loss of protein function (PMID: 16199547), and loss-of-function variants in PRPF31 are known to be pathogenic (PMID: 18317597, 23950152). This variant is not present in population databases (gnomAD no frequency). This variant has not been reported in the literature in individuals affected with PRPF31-related conditions. ClinVar contains an entry for this variant (Variation ID: 2811745). In summary, the currently available evidence indicates that the variant is pathogenic, but additional data are needed to prove that conclusively. Therefore, this variant has been classified as Likely Pathogenic.

Literature cited by the submitters: PubMed 16199547; PubMed 18317597; PubMed 23950152.

NM_015629.4(PRPF31):c.1074-7_1079del

Gene: PRPF31 (pre-mRNA processing factor 31; plus strand). Cytogenetic location: 19q13.42.
Variant type: Deletion.
Coding change: c.1074-7_1079del on transcript NM_015629.4 (MANE Select); 7 bases into the intron before coding-DNA position 1074 through coding-DNA position 1079, 13 bases deleted (TCCCCAGGTACCG).
Molecular consequence: splice acceptor variant.
Genome position (GRCh38, 1-based): chr19:54,128,298-54,128,310, TCCCCAGGTACCG deleted; deleting any 13 consecutive bases within chr19:54,128,295-54,128,310 gives the same sequence; the c. name uses the placement nearest the transcript's 3' end. VCF-style (leftmost placement, unchanged base first): chr19-54128294-CCCGTCCCCAGGTA-C. GRCh37 (hg19) VCF-style: chr19-54631669-CCCGTCCCCAGGTA-C.
Identifiers: ClinVar variation 2811745 (VCV002811745.3), dbSNP rs2516196116, ClinGen allele CA2739277000.